The following is an entry in ClinVar:

NM_004304.5(ALK):c.4341dup (p.Ser1448fs)

Gene: ALK (ALK receptor tyrosine kinase; minus strand). Cytogenetic location: 2p23.2.
Variant type: Duplication.
Coding change: c.4341dup on transcript NM_004304.5 (MANE Select); coding-DNA position 4341, one base duplicated (C; older notation c.4341dupC).
Protein change: p.Ser1448fs; shifts the reading frame from serine 1448.
Molecular consequence: frameshift variant.
Genome position (GRCh38, 1-based): chr2:29,193,746, G duplicated on the plus strand (C on the coding strand, the reverse complement: ALK is on the minus strand); the first of 2 consecutive G bases (chr2:29,193,746-29,193,747); duplicating either gives the same sequence. VCF-style (leftmost placement, unchanged base first): chr2-29193745-A-AG. GRCh37 (hg19) VCF-style: chr2-29416611-A-AG.
Other names: c.1137dup, p.Ser380fs (NM_001353765.2); short protein forms S1448fs, S380fs.
Identifiers: ClinVar variation 1056135 (VCV001056135.8), dbSNP rs2148138649, ClinGen allele CA2499215864.

ClinVar aggregate classification (germline): Uncertain significance (1 of 4 stars; one submission).

Conditions:
Neuroblastoma, susceptibility to, 3. Also called: ALK-Related Neuroblastic Tumor Susceptibility. Identifiers: Orphanet 635, MedGen C2751681, MONDO:0013083, OMIM 613014.

Submission:

Labcorp Genetics (formerly Invitae), Labcorp
Classification: Uncertain significance for Neuroblastoma, susceptibility to, 3. Last evaluated: 2023-07-12. Review status: criteria provided, single submitter. Criteria: Invitae Variant Classification Sherloc (09022015). Collection method: clinical testing. Allele origin: germline.
Comment: This sequence change creates a premature translational stop signal (p.Ser1448Leufs*20) in the ALK gene. While this is not anticipated to result in nonsense mediated decay, it is expected to disrupt the last 173 amino acid(s) of the ALK protein. This variant is not present in population databases (gnomAD no frequency). This variant has not been reported in the literature in individuals affected with ALK-related conditions. ClinVar contains an entry for this variant (Variation ID: 1056135). In summary, the available evidence is currently insufficient to determine the role of this variant in disease. Therefore, it has been classified as a Variant of Uncertain Significance.